The following is an entry in ClinVar:

ClinVar aggregate classification (germline): Uncertain significance (1 of 4 stars; one submission).

Conditions:
Inborn genetic diseases. Identifiers: MedGen C0950123, MeSH D030342.

Submission:

Ambry Genetics
Classification: Uncertain significance for Inborn genetic diseases. Last evaluated: 2022-08-02. Review status: criteria provided, single submitter. Criteria: Ambry Variant Classification Scheme 2023. Collection method: clinical testing. Allele origin: germline.
Comment: The p.T2681A variant (also known as c.8041A>G), located in coding exon 52 of the DST gene, results from an A to G substitution at nucleotide position 8041. The threonine at codon 2681 is replaced by alanine, an amino acid with similar properties. This amino acid position is not well conserved in available vertebrate species. In addition, this alteration is predicted to be tolerated by in silico analysis. Since supporting evidence is limited at this time, the clinical significance of this alteration remains unclear.

NM_001374736.1(DST):c.14398A>G (p.Thr4800Ala)

Gene: DST (dystonin; minus strand). Cytogenetic location: 6p12.1.
Variant type: single nucleotide variant.
Coding change: c.14398A>G on transcript NM_001374736.1 (MANE Select); coding-DNA position 14398, A replaced by G.
Protein change: p.Thr4800Ala; replaces threonine 4800 with alanine.
Molecular consequence: missense variant.
Genome position (GRCh38, 1-based): chr6:56,560,336, T>C on the plus strand (A>G on the coding strand, the complement: DST is on the minus strand). VCF-style: chr6-56560336-T-C. GRCh37 (hg19) VCF-style: chr6-56425134-T-C.
Other names: c.8041A>G, p.Thr2681Ala (NM_001144769.5); c.7627A>G, p.Thr2543Ala (NM_001144770.2); c.14398A>G, p.Thr4800Ala (NM_001374722.1); c.13765A>G, p.Thr4589Ala (NM_001374729.1); c.7507A>G, p.Thr2503Ala (NM_001374730.1, NM_001386100.1, NM_183380.4); c.14425A>G, p.Thr4809Ala (NM_001374734.1); c.6529A>G, p.Thr2177Ala (NM_015548.5); short protein forms T2681A, T2503A, T4809A, T2177A, T4589A, T2543A, T4800A.
Identifiers: ClinVar variation 1761765 (VCV001761765.2), dbSNP rs2535487425, ClinGen allele CA364521855.